The following is an entry in ClinVar:

ClinVar aggregate classification (germline): Likely benign. Review status: criteria provided, single submitter (1 of 4 stars). 2 submissions from 2 submitters: Likely benign (1). 1 of the submissions does not count toward it. Last evaluated 2023-11-03.

Conditions:
BGN-related disorder. Also called: BGN-related condition.

Allele frequency attached by ClinVar (database versions not stated): TOPMed 0.00001; gnomAD 0.00002.

Submissions (2):

Labcorp Genetics (formerly Invitae), Labcorp
Classification: Likely benign. Last evaluated: 2023-11-03. Review status: criteria provided, single submitter. Criteria: Invitae Variant Classification Sherloc (09022015). Collection method: clinical testing. Allele origin: germline.

PreventionGenetics, part of Exact Sciences
Classification: Likely benign for BGN-related condition. Last evaluated: 2021-12-01. Review status: no assertion criteria provided. Collection method: clinical testing. Allele origin: germline. Not counted in ClinVar's aggregate classification.
Comment: This variant is classified as likely benign based on ACMG/AMP sequence variant interpretation guidelines (Richards et al. 2015 PMID: 25741868, with internal and published modifications).

NM_001711.6(BGN):c.352-4T>G

Gene: BGN (biglycan; plus strand). Cytogenetic location: Xq28.
Variant type: single nucleotide variant.
Coding change: c.352-4T>G on transcript NM_001711.6 (MANE Select); 4 bases into the intron before coding-DNA position 352, T replaced by G.
Molecular consequence: intron variant.
Genome position (GRCh38, 1-based): chrX:153,505,859, T>G. VCF-style: chrX-153505859-T-G. GRCh37 (hg19) VCF-style: chrX-152771317-T-G.
Other names: c.352-4T>G (NM_001711.5).
Identifiers: ClinVar variation 1537894 (VCV001537894.10), dbSNP rs1316826218, ClinGen allele CA645287334.